The following is an entry in ClinVar:

NM_000245.4(MET):c.1825A>G (p.Ser609Gly)

Gene: MET (MET proto-oncogene, receptor tyrosine kinase; plus strand). Cytogenetic location: 7q31.2.
Variant type: single nucleotide variant.
Coding change: c.1825A>G on transcript NM_000245.4 (MANE Select); coding-DNA position 1825, A replaced by G.
Protein change: p.Ser609Gly; replaces serine 609 with glycine.
Molecular consequence: missense variant.
Genome position (GRCh38, 1-based): chr7:116,755,478, A>G. VCF-style: chr7-116755478-A-G. GRCh37 (hg19) VCF-style: chr7-116395532-A-G.
Other names: c.1825A>G, p.Ser609Gly (NM_001127500.3, NM_001324401.3); c.535A>G, p.Ser179Gly (NM_001324402.2); short protein forms S179G, S609G.
Identifiers: ClinVar variation 1780831 (VCV001780831.7), dbSNP rs2116910533, ClinGen allele CA368978147.

ClinVar aggregate classification (germline): Uncertain significance. Review status: criteria provided, multiple submitters, no conflicts (2 of 4 stars). 2 submissions from 2 submitters: Uncertain significance (2). Last evaluated 2022-07-11.

Conditions:
Hereditary cancer-predisposing syndrome. Also called: Neoplastic Syndromes, Hereditary; Tumor predisposition; Hereditary Cancer Syndrome; Hereditary neoplastic syndrome. Identifiers: Orphanet 140162, MedGen C0027672, MeSH D009386, MONDO:0015356.
Renal cell carcinoma. Identifiers: Orphanet 217071, MedGen C0007134, MeSH D002292, MONDO:0005086, HP:0005584.

gnomAD v4.1: 1 of 1,614,152 alleles (0.000062%); no homozygotes.

Submissions (2):

Ambry Genetics
Classification: Uncertain significance for Hereditary cancer-predisposing syndrome. Last evaluated: 2022-07-11. Review status: criteria provided, single submitter. Criteria: Ambry Variant Classification Scheme 2023. Collection method: clinical testing. Allele origin: germline.
Comment: The p.S609G variant (also known as c.1825A>G), located in coding exon 5 of the MET gene, results from an A to G substitution at nucleotide position 1825. The serine at codon 609 is replaced by glycine, an amino acid with similar properties. This amino acid position is conserved. In addition, this alteration is predicted to be tolerated by in silico analysis. Since supporting evidence is limited at this time, the clinical significance of this alteration remains unclear.

Labcorp Genetics (formerly Invitae), Labcorp
Classification: Uncertain significance for Renal cell carcinoma. Last evaluated: 2022-05-29. Review status: criteria provided, single submitter. Criteria: Invitae Variant Classification Sherloc (09022015). Collection method: clinical testing. Allele origin: germline.
Comment: This sequence change replaces serine, which is neutral and polar, with glycine, which is neutral and non-polar, at codon 609 of the MET protein (p.Ser609Gly). This variant is not present in population databases (gnomAD no frequency). This variant has not been reported in the literature in individuals affected with MET-related conditions. Algorithms developed to predict the effect of missense changes on protein structure and function (SIFT, PolyPhen-2, Align-GVGD) all suggest that this variant is likely to be tolerated. In summary, the available evidence is currently insufficient to determine the role of this variant in disease. Therefore, it has been classified as a Variant of Uncertain Significance.